The following is an entry in ClinVar:

NM_002474.3(MYH11):c.4511G>T (p.Arg1504Leu)

Genes: MYH11 (myosin heavy chain 11; minus strand), NDE1 (nudE neurodevelopment protein 1; plus strand). Cytogenetic location: 16p13.11.
Variant type: single nucleotide variant.
Coding change: c.4511G>T on transcript NM_002474.3 (MANE Select); coding-DNA position 4511, G replaced by T.
Protein change: p.Arg1504Leu; replaces arginine 1504 with leucine.
Molecular consequence: missense variant. On other transcripts: intron variant (2).
Genome position (GRCh38, 1-based): chr16:15,721,489, C>A on the plus strand (G>T on the coding strand, the complement: MYH11 is on the minus strand). VCF-style: chr16-15721489-C-A. GRCh37 (hg19) VCF-style: chr16-15815346-C-A.
Other names: c.4532G>T, p.Arg1511Leu (NM_001040113.2, NM_001040114.2); c.4511G>T, p.Arg1504Leu (NM_022844.3); c.948-2702C>A (NM_001143979.2, NM_017668.3); short protein forms R1504L, R1511L.
Identifiers: ClinVar variation 1741132 (VCV001741132.2), dbSNP rs769614526, ClinGen allele CA394855063.

ClinVar aggregate classification (germline): Uncertain significance (1 of 4 stars; one submission).

Conditions:
Familial thoracic aortic aneurysm and aortic dissection (TAAD). Also called: Thoracic aortic aneurysms and dissections. Identifiers: Orphanet 91387, MedGen C4707243, MONDO:0019625.

gnomAD v4.1: 1 of 1,614,182 alleles (0.000062%); no homozygotes.

Submission:

Ambry Genetics
Classification: Uncertain significance for Familial thoracic aortic aneurysm and aortic dissection. Last evaluated: 2021-06-15. Review status: criteria provided, single submitter. Criteria: Ambry Variant Classification Scheme 2023. Collection method: clinical testing. Allele origin: germline.
Comment: The p.R1504L variant (also known as c.4511G>T), located in coding exon 31 of the MYH11 gene, results from a G to T substitution at nucleotide position 4511. The arginine at codon 1504 is replaced by leucine, an amino acid with dissimilar properties. This amino acid position is highly conserved in available vertebrate species. In addition, the in silico prediction for this alteration is inconclusive. Since supporting evidence is limited at this time, the clinical significance of this alteration remains unclear.